The following is an entry in ClinVar:

ClinVar aggregate classification (germline): Benign/Likely benign. Review status: criteria provided, multiple submitters, no conflicts (2 of 4 stars). 5 submissions from 5 submitters: Benign (2); Likely benign (2). 1 of the submissions does not count toward it. Last evaluated 2025-09-02.

Conditions:
EPHA2-related disorder. Also called: EPHA2-related condition.
Cataract 6 multiple types. Also called: CATARACT 6, POSTERIOR POLAR; CATARACT 6, CONGENITAL TOTAL; CATARACT, AGE-RELATED CORTICAL, 2. Identifiers: Orphanet 91492, MedGen C1861825, MONDO:0007288, OMIM 116600.

Allele frequency attached by ClinVar (database versions not stated): gnomAD exomes 0.00057 and 0.00137; ExAC 0.00154; 1000 Genomes Project 0.00359; 1000 Genomes Project 30x 0.00359; ESP Exome Variant Server 0.00408; gnomAD 0.00425 and 0.00444; TOPMed 0.00436.
gnomAD v4.1: 1,486 of 1,613,266 alleles (0.092%); highest among the groups gnomAD compares: African/African-American, 1.4%; 10 homozygotes.

Submissions (5):

Labcorp Genetics (formerly Invitae), Labcorp
Classification: Benign for Cataract 6 multiple types. Last evaluated: 2025-09-02. Review status: criteria provided, single submitter. Criteria: Invitae Variant Classification Sherloc (09022015). Collection method: clinical testing. Allele origin: germline.

Blueprint Genetics
Classification: Likely benign. Last evaluated: 2024-11-11. Review status: criteria provided, single submitter. Criteria: ACMG Guidelines, 2015. Collection method: clinical testing. Allele origin: germline.

GeneDx
Classification: Likely benign. Last evaluated: 2020-02-06. Review status: criteria provided, single submitter. Criteria: GeneDx Variant Classification Process June 2021. Collection method: clinical testing. Allele origin: germline. Affected: yes.

Illumina Laboratory Services, Illumina
Classification: Benign for Cataract 6 multiple types. Last evaluated: 2018-01-13. Review status: criteria provided, single submitter. Criteria: ICSL Variant Classification Criteria 13 December 2019. Collection method: clinical testing. Allele origin: germline.
Comment: This variant was observed in the ICSL laboratory as part of a predisposition screen in an ostensibly healthy population. It had not been previously curated by ICSL or reported in the Human Gene Mutation Database (HGMD: prior to June 1st, 2018), and was therefore a candidate for classification through an automated scoring system. Utilizing variant allele frequency, disease prevalence and penetrance estimates, and inheritance mode, an automated score was calculated to assess if this variant is too frequent to cause the disease. Based on the score and internal cut-off values, a variant classified as benign is not then subjected to further curation. The score for this variant resulted in a classification of benign for this disease.

PreventionGenetics, part of Exact Sciences
Classification: Benign for EPHA2-related condition. Last evaluated: 2019-06-18. Review status: no assertion criteria provided. Collection method: clinical testing. Allele origin: germline. Not counted in ClinVar's aggregate classification.
Comment: This variant is classified as benign based on ACMG/AMP sequence variant interpretation guidelines (Richards et al. 2015 PMID: 25741868, with internal and published modifications).

NM_004431.5(EPHA2):c.493G>A (p.Val165Met)

Gene: EPHA2 (EPH receptor A2; minus strand). Cytogenetic location: 1p36.13.
Variant type: single nucleotide variant.
Coding change: c.493G>A on transcript NM_004431.5 (MANE Select); coding-DNA position 493, G replaced by A.
Protein change: p.Val165Met; replaces valine 165 with methionine.
Molecular consequence: missense variant.
Genome position (GRCh38, 1-based): chr1:16,148,708, C>T on the plus strand (G>A on the coding strand, the complement: EPHA2 is on the minus strand). VCF-style: chr1-16148708-C-T. GRCh37 (hg19) VCF-style: chr1-16475203-C-T.
Other names: c.331G>A, p.Val111Met (NM_001329090.2); c.493G>A (NM_004431.4); short protein forms V111M, V165M.
Identifiers: ClinVar variation 697437 (VCV000697437.20), dbSNP rs150790360, ClinGen allele CA625507.